The following is an entry in ClinVar:

NM_000057.4(BLM):c.807C>T (p.Ser269=)

Gene: BLM (BLM RecQ like helicase; plus strand). Cytogenetic location: 15q26.1.
Variant type: single nucleotide variant.
Coding change: c.807C>T on transcript NM_000057.4 (MANE Select); coding-DNA position 807, C replaced by T.
Protein change: p.Ser269=; no amino-acid change (serine 269 retained).
Molecular consequence: synonymous variant. On other transcripts: 5 prime UTR variant (1).
Genome position (GRCh38, 1-based): chr15:90,751,794, C>T. VCF-style: chr15-90751794-C-T. GRCh37 (hg19) VCF-style: chr15-91295024-C-T.
Other names: c.807C>T, p.Ser269= (NM_001287246.2, NM_001287247.2); c.-485C>T (NM_001287248.2); c.807C>T (LRG_20t1).
Identifiers: ClinVar variation 413294 (VCV000413294.24), dbSNP rs147850738, ClinGen allele CA7738370.

ClinVar aggregate classification (germline): Conflicting classifications of pathogenicity. Review status: criteria provided, conflicting classifications (1 of 4 stars). 6 submissions from 6 submitters: Uncertain significance (1); Likely benign (4). 1 of the submissions does not count toward it. Last evaluated 2026-02-03.

Conditions:
Hereditary cancer-predisposing syndrome. Also called: Neoplastic Syndromes, Hereditary; Tumor predisposition; Hereditary Cancer Syndrome; Hereditary neoplastic syndrome. Identifiers: Orphanet 140162, MedGen C0027672, MeSH D009386, MONDO:0015356.
Bloom syndrome (BLM). Also called: Bloom-Torre-Machacek syndrome. Identifiers: Orphanet 125, MedGen C0005859, MONDO:0008876, OMIM 210900.

Allele frequency attached by ClinVar (database versions not stated): gnomAD exomes 0.00007 and 0.00010; ExAC 0.00011; TOPMed 0.00014; ESP Exome Variant Server 0.00015; 1000 Genomes Project 30x 0.00016; gnomAD 0.00018 and 0.00019; 1000 Genomes Project 0.00020.
gnomAD v4.1: 176 of 1,611,182 alleles (0.011%); highest among the groups gnomAD compares: African/African-American, 0.035%; no homozygotes.

Submissions (6):

Labcorp Genetics (formerly Invitae), Labcorp
Classification: Likely benign for Bloom syndrome. Last evaluated: 2026-02-03. Review status: criteria provided, single submitter. Criteria: Invitae Variant Classification Sherloc (09022015). Collection method: clinical testing. Allele origin: germline.

Blueprint Genetics
Classification: Likely benign. Last evaluated: 2024-10-18. Review status: criteria provided, single submitter. Criteria: ACMG Guidelines, 2015. Collection method: clinical testing. Allele origin: germline.

Quest Diagnostics Nichols Institute San Juan Capistrano
Classification: Likely benign. Last evaluated: 2021-08-20. Review status: criteria provided, single submitter. Criteria: Quest Diagnostics criteria. Collection method: clinical testing. Allele origin: unknown.

Center for Genomics, Ann and Robert H. Lurie Children's Hospital of Chicago
Classification: Uncertain significance for Bloom syndrome. Last evaluated: 2021-03-30. Review status: criteria provided, single submitter. Criteria: ACMG Guidelines, 2015. Collection method: clinical testing. Allele origin: germline.
Comment: BLM NM_000057 exon 4 p.Ser269Ser (c.807C>T):This variant has not been reported in the literature but is present in 13/126514 European alleles in the Genome Aggregation Database. This variant is present in ClinVar (Variation ID:413294). Evolutionary conservation and computational predictive tools for this variant are limited or unavailable. Of note, this variant is a silent variant and does not change the amino acid, reducing the probability that this variant is disease causing. In summary, data on this variant is insufficient for disease classification. Therefore, the clinical significance of this variant is uncertain.

Ambry Genetics
Classification: Likely benign for Hereditary cancer-predisposing syndrome. Last evaluated: 2016-12-14. Review status: criteria provided, single submitter. Criteria: Ambry Variant Classification Scheme 2023. Collection method: clinical testing. Allele origin: germline.

Natera, Inc.
Classification: Likely benign for Bloom syndrome. Last evaluated: 2018-05-27. Review status: no assertion criteria provided. Collection method: clinical testing. Allele origin: germline. Not counted in ClinVar's aggregate classification.